The following is an entry in ClinVar:

ClinVar aggregate classification (germline): Uncertain significance (1 of 4 stars; one submission).

Submission:

GeneDx
Classification: Uncertain significance. Last evaluated: 2024-12-13. Review status: criteria provided, single submitter. Criteria: GeneDx Variant Classification Process June 2021. Collection method: clinical testing. Allele origin: germline. Affected: yes.
Comment: Not observed at significant frequency in large population cohorts (gnomAD); In silico analysis supports that this missense variant has a deleterious effect on protein structure/function; Has not been previously published as pathogenic or benign to our knowledge

NM_000075.4(CDK4):c.809A>T (p.Gln270Leu)

Genes: CDK4 (cyclin dependent kinase 4; minus strand), TSPAN31 (tetraspanin 31; plus strand). Cytogenetic location: 12q14.1.
Variant type: single nucleotide variant.
Coding change: c.809A>T on transcript NM_000075.4 (MANE Select); coding-DNA position 809, A replaced by T.
Protein change: p.Gln270Leu; replaces glutamine 270 with leucine.
Molecular consequence: missense variant. On other transcripts: 3 prime UTR variant (3).
Genome position (GRCh38, 1-based): chr12:57,749,192, T>A on the plus strand (A>T on the coding strand, the complement: CDK4 is on the minus strand). VCF-style: chr12-57749192-T-A. GRCh37 (hg19) VCF-style: chr12-58142975-T-A.
Other names: c.*1902T>A (NM_001330168.2, NM_001330169.2, NM_005981.5); short protein forms Q270L.
Identifiers: ClinVar variation 3903124 (VCV003903124.1).